The following is an entry in ClinVar:

ClinVar aggregate classification (germline): Likely benign (1 of 4 stars; one submission).

Submission:

CeGaT Center for Human Genetics Tuebingen
Classification: Likely benign. Last evaluated: 2026-03-01. Review status: criteria provided, single submitter. Criteria: CeGaT Center For Human Genetics Tuebingen Variant Classification Criteria Version 2. Collection method: clinical testing. Allele origin: germline. Affected: yes. Observed: 1 variant allele.
Comment: PRR12: BP4, BP7

NM_020719.3(PRR12):c.3378C>T (p.Ser1126=)

Gene: PRR12 (proline rich 12; plus strand). Cytogenetic location: 19q13.33.
Variant type: single nucleotide variant.
Coding change: c.3378C>T on transcript NM_020719.3 (MANE Select); coding-DNA position 3378, C replaced by T.
Protein change: p.Ser1126=; no amino-acid change (serine 1126 retained).
Molecular consequence: synonymous variant.
Genome position (GRCh38, 1-based): chr19:49,597,713, C>T. VCF-style: chr19-49597713-C-T. GRCh37 (hg19) VCF-style: chr19-50100970-C-T.
Identifiers: ClinVar variation 4822634 (VCV004822634.4).